The following is an entry in ClinVar:

NM_001943.5(DSG2):c.680T>C (p.Leu227Ser)

Gene: DSG2 (desmoglein 2; plus strand). Cytogenetic location: 18q12.1.
Variant type: single nucleotide variant.
Coding change: c.680T>C on transcript NM_001943.5 (MANE Select); coding-DNA position 680, T replaced by C.
Protein change: p.Leu227Ser; replaces leucine 227 with serine.
Molecular consequence: missense variant.
Genome position (GRCh38, 1-based): chr18:31,522,239, T>C. VCF-style: chr18-31522239-T-C. GRCh37 (hg19) VCF-style: chr18-29102202-T-C.
Other names: short protein forms L227S.
Identifiers: ClinVar variation 1939675 (VCV001939675.5), dbSNP rs919635341, ClinGen allele CA297730107.

ClinVar aggregate classification (germline): Uncertain significance (1 of 4 stars; one submission).

Conditions:
Arrhythmogenic right ventricular dysplasia 10. Also called: Arrhythmogenic Right Ventricular Dysplasia/Cardiomyopathy10; ARRHYTHMOGENIC RIGHT VENTRICULAR DYSPLASIA, FAMILIAL, 10; Arrhythmogenic right ventricular dysplasia/cardiomyopathy, type 10. Identifiers: MedGen C1857777, MONDO:0012434, OMIM 610193.

Allele frequency attached by ClinVar (database versions not stated): TOPMed 0.00001.

Submission:

Labcorp Genetics (formerly Invitae), Labcorp
Classification: Uncertain significance for Arrhythmogenic right ventricular dysplasia 10. Last evaluated: 2024-10-30. Review status: criteria provided, single submitter. Criteria: Invitae Variant Classification Sherloc (09022015). Collection method: clinical testing. Allele origin: germline.
Comment: This sequence change replaces leucine, which is neutral and non-polar, with serine, which is neutral and polar, at codon 227 of the DSG2 protein (p.Leu227Ser). This variant is present in population databases (no rsID available, gnomAD 0.007%). This variant has not been reported in the literature in individuals affected with DSG2-related conditions. ClinVar contains an entry for this variant (Variation ID: 1939675). Invitae Evidence Modeling of protein sequence and biophysical properties (such as structural, functional, and spatial information, amino acid conservation, physicochemical variation, residue mobility, and thermodynamic stability) has been performed for this missense variant. However, the output from this modeling did not meet the statistical confidence thresholds required to predict the impact of this variant on DSG2 protein function. In summary, the available evidence is currently insufficient to determine the role of this variant in disease. Therefore, it has been classified as a Variant of Uncertain Significance.